The following is an entry in ClinVar:

NM_000186.4(CFH):c.3169G>A (p.Ala1057Thr)

Gene: CFH (complement factor H; plus strand). Cytogenetic location: 1q31.3.
Variant type: single nucleotide variant.
Coding change: c.3169G>A on transcript NM_000186.4 (MANE Select); coding-DNA position 3169, G replaced by A.
Protein change: p.Ala1057Thr; replaces alanine 1057 with threonine.
Molecular consequence: missense variant.
Genome position (GRCh38, 1-based): chr1:196,743,487, G>A. VCF-style: chr1-196743487-G-A. GRCh37 (hg19) VCF-style: chr1-196712617-G-A.
Other names: short protein forms A1057T.
Identifiers: ClinVar variation 1030653 (VCV001030653.5), dbSNP rs1652885970, ClinGen allele CA343983140.

ClinVar aggregate classification (germline): Uncertain significance. Review status: criteria provided, multiple submitters, no conflicts (2 of 4 stars). 6 submissions from 3 submitters: Uncertain significance (6). Last evaluated 2023-04-11.

Conditions:
Age related macular degeneration 4. Identifiers: MedGen C1853147, MONDO:0012540, OMIM 610698.
Basal laminar drusen. Also called: DRUSEN OF BRUCH MEMBRANE; DRUSEN, CUTICULAR; DRUSEN, EARLY ADULT-ONSET, GROUPED. Identifiers: Orphanet 75376, MedGen C0730295, MONDO:0007472, OMIM 126700.
Factor H deficiency (CFHD). Also called: CFH DEFICIENCY; COMPLEMENT FACTOR H DEFICIENCY. Identifiers: Orphanet 200421, MedGen C0398777, MONDO:0012350, OMIM 609814.
Hemolytic uremic syndrome, atypical, susceptibility to, 1. Also called: AHUS, SUSCEPTIBILITY TO, 1. Identifiers: Orphanet 2134, Orphanet 90038, MedGen C2749604, MONDO:0009335, OMIM 235400. Disease mechanism: Other.

Submissions (6):

Genome-Nilou Lab
Classification: Uncertain significance for Hemolytic uremic syndrome, atypical, susceptibility to, 1. Last evaluated: 2023-04-11. Review status: criteria provided, single submitter. Criteria: ACMG Guidelines, 2015. Collection method: clinical testing. Allele origin: germline. Affected: no.

Genome-Nilou Lab
Classification: Uncertain significance for Age related macular degeneration 4. Last evaluated: 2023-04-11. Review status: criteria provided, single submitter. Criteria: ACMG Guidelines, 2015. Collection method: clinical testing. Allele origin: germline. Affected: no.

Genome-Nilou Lab
Classification: Uncertain significance for Basal laminar drusen. Last evaluated: 2023-04-11. Review status: criteria provided, single submitter. Criteria: ACMG Guidelines, 2015. Collection method: clinical testing. Allele origin: germline. Affected: no.

Genome-Nilou Lab
Classification: Uncertain significance for Factor H deficiency. Last evaluated: 2023-04-11. Review status: criteria provided, single submitter. Criteria: ACMG Guidelines, 2015. Collection method: clinical testing. Allele origin: germline. Affected: no.

Baylor Genetics
Classification: Uncertain significance for Factor H deficiency. Last evaluated: 2020-09-15. Review status: criteria provided, single submitter. Criteria: ACMG Guidelines, 2015. Collection method: clinical testing. Allele origin: unknown. Affected: yes.
Comment: This variant was determined to be of uncertain significance according to ACMG Guidelines, 2015 [PMID:25741868].

Revvity Omics, Revvity
Classification: Uncertain significance. Last evaluated: 2019-12-12. Review status: criteria provided, single submitter. Criteria: ACMG Guidelines, 2015. Collection method: clinical testing. Allele origin: germline.